The following is an entry in ClinVar:

NM_001128178.3(NPHP1):c.1966C>T (p.His656Tyr)

Gene: NPHP1 (nephrocystin 1; minus strand). Cytogenetic location: 2q13.
Variant type: single nucleotide variant.
Coding change: c.1966C>T on transcript NM_001128178.3 (MANE Select); coding-DNA position 1966, C replaced by T.
Protein change: p.His656Tyr; replaces histidine 656 with tyrosine.
Molecular consequence: missense variant. On other transcripts: 3 prime UTR variant (1).
Genome position (GRCh38, 1-based): chr2:110,123,859, G>A on the plus strand (C>T on the coding strand, the complement: NPHP1 is on the minus strand). VCF-style: chr2-110123859-G-A. GRCh37 (hg19) VCF-style: chr2-110881436-G-A.
Other names: c.2134C>T, p.His712Tyr (NM_000272.5); c.1777C>T, p.His593Tyr (NM_001128179.3); c.1963C>T, p.His655Tyr (NM_001374256.1); c.*208C>T (NM_001374257.1); c.2131C>T, p.His711Tyr (NM_207181.4); short protein forms H655Y, H656Y, H711Y, H712Y, H593Y.
Identifiers: ClinVar variation 1384670 (VCV001384670.6), dbSNP rs1679151001, ClinGen allele CA348085947.
Genomic context (GRCh38, chr2:110,123,859, plus strand): 5'-CATTCTTTCTCATTTCACCCAAGAAGTCATAGGTCTGCTCTGAAAGGTCAAAAGGTTCAT[G>A]AACTCCGTCTGGTGACAGCAGAGCTTGGAGGGCGCCCTGGTTTTCTTGGTTTTGCTTAAG-3'
Protein context (NP_001121650.1, residues 646-666): LQALLSPDGV[His656Tyr]EPFDLSEQTY

ClinVar aggregate classification (germline): Uncertain significance (1 of 4 stars; one submission).

Conditions:
Nephronophthisis. Also called: Juvenile Nephronophthisis. Identifiers: Orphanet 655, MedGen C0687120, MONDO:0019005, HP:0000090.

Allele frequency attached by ClinVar (database versions not stated): gnomAD exomes below 0.00001.
gnomAD v4.1: 1 of 1,614,088 alleles (0.000062%); highest among the groups gnomAD compares: Non-Finnish European, 0.000085%; no homozygotes.

Submission:

Labcorp Genetics (formerly Invitae), Labcorp
Classification: Uncertain significance for Nephronophthisis. Last evaluated: 2021-10-13. Review status: criteria provided, single submitter. Criteria: Invitae Variant Classification Sherloc (09022015). Collection method: clinical testing. Allele origin: germline.
Comment: In summary, the available evidence is currently insufficient to determine the role of this variant in disease. Therefore, it has been classified as a Variant of Uncertain Significance. Algorithms developed to predict the effect of missense changes on protein structure and function are either unavailable or do not agree on the potential impact of this missense change (SIFT: "Tolerated"; PolyPhen-2: "Probably Damaging"; Align-GVGD: "Class C0"). This variant has not been reported in the literature in individuals affected with NPHP1-related conditions. This variant is not present in population databases (ExAC no frequency). This sequence change replaces histidine with tyrosine at codon 712 of the NPHP1 protein (p.His712Tyr). The histidine residue is moderately conserved and there is a moderate physicochemical difference between histidine and tyrosine.